The following is an entry in ClinVar:

ClinVar aggregate classification (germline): Conflicting classifications of pathogenicity. Review status: criteria provided, conflicting classifications (1 of 4 stars). 6 submissions from 6 submitters: Uncertain significance (5); Likely benign (1). Last evaluated 2025-09-27.

Conditions:
Norman-Roberts syndrome (LIS2). Also called: Lissencephaly 2 (Norman-Roberts type). Identifiers: Orphanet 89844, MedGen C0796089, MONDO:0009760, OMIM 257320.
Epilepsy, familial temporal lobe, 1. Identifiers: Orphanet 101046, MedGen CN030884, MONDO:0700090, OMIM 600512.
Familial temporal lobe epilepsy 7. Identifiers: Orphanet 101046, MedGen C4225327, MONDO:0014639, OMIM 616436.

Allele frequency attached by ClinVar (database versions not stated): ESP Exome Variant Server 0.00008; gnomAD 0.00009 and 0.00010; gnomAD exomes 0.00009 and 0.00018; TOPMed 0.00012; ExAC 0.00015.
gnomAD v4.1: 152 of 1,614,012 alleles (0.0094%); highest among the groups gnomAD compares: Middle Eastern, 0.066%; no homozygotes.

Submissions (6):

Labcorp Genetics (formerly Invitae), Labcorp
Classification: Likely benign for Familial temporal lobe epilepsy 7; Norman-Roberts syndrome. Last evaluated: 2025-09-27. Review status: criteria provided, single submitter. Criteria: Invitae Variant Classification Sherloc (09022015). Collection method: clinical testing. Allele origin: germline.

GeneDx
Classification: Uncertain significance. Last evaluated: 2022-03-31. Review status: criteria provided, single submitter. Criteria: GeneDx Variant Classification Process June 2021. Collection method: clinical testing. Allele origin: germline. Affected: yes.
Comment: In silico analysis supports that this missense variant does not alter protein structure/function; Has not been previously published as pathogenic or benign to our knowledge

Revvity Omics, Revvity
Classification: Uncertain significance for Norman-Roberts syndrome. Last evaluated: 2021-04-19. Review status: criteria provided, single submitter. Criteria: ACMG Guidelines, 2015. Collection method: clinical testing. Allele origin: germline.

New York Genome Center
Classification: Uncertain significance for Familial temporal lobe epilepsy 7. Last evaluated: 2020-04-18. Review status: criteria provided, single submitter. Criteria: NYGC Assertion Criteria 2020. Collection method: clinical testing. Allele origin: germline. Observed: 1 heterozygote. Study: CSER-NYCKidSeq.

Fulgent Genetics
Classification: Uncertain significance for Norman-Roberts syndrome; Epilepsy, familial temporal lobe, 1; Familial temporal lobe epilepsy 7. Last evaluated: 2018-10-31. Review status: criteria provided, single submitter. Criteria: ACMG Guidelines, 2015. Collection method: clinical testing. Allele origin: unknown.

Illumina Laboratory Services, Illumina
Classification: Uncertain significance for Norman-Roberts syndrome. Last evaluated: 2018-01-13. Review status: criteria provided, single submitter. Criteria: ICSL Variant Classification Criteria 13 December 2019. Collection method: clinical testing. Allele origin: germline.

NM_005045.4(RELN):c.8005G>A (p.Val2669Ile)

Gene: RELN (reelin; minus strand). Cytogenetic location: 7q22.1.
Variant type: single nucleotide variant.
Coding change: c.8005G>A on transcript NM_005045.4 (MANE Select); coding-DNA position 8005, G replaced by A.
Protein change: p.Val2669Ile; replaces valine 2669 with isoleucine.
Molecular consequence: missense variant.
Genome position (GRCh38, 1-based): chr7:103,515,299, C>T on the plus strand (G>A on the coding strand, the complement: RELN is on the minus strand). VCF-style: chr7-103515299-C-T. GRCh37 (hg19) VCF-style: chr7-103155746-C-T.
Other names: c.8005G>A, p.Val2669Ile (NM_173054.3); short protein forms V2669I.
Identifiers: ClinVar variation 358386 (VCV000358386.19), dbSNP rs375985673, ClinGen allele CA4420589.